The following is an entry in ClinVar:

ClinVar aggregate classification (germline): Likely benign. Review status: criteria provided, multiple submitters, no conflicts (2 of 4 stars). 2 submissions from 2 submitters: Likely benign (2). Last evaluated 2024-11-25.

Allele frequency attached by ClinVar (database versions not stated): ExAC 0.00159.

Submissions (2):

Blueprint Genetics
Classification: Likely benign. Last evaluated: 2024-11-25. Review status: criteria provided, single submitter. Criteria: ACMG Guidelines, 2015. Collection method: clinical testing. Allele origin: germline.

CeGaT Center for Human Genetics Tuebingen
Classification: Likely benign. Last evaluated: 2023-12-01. Review status: criteria provided, single submitter. Criteria: CeGaT Center For Human Genetics Tuebingen Variant Classification Criteria Version 2. Collection method: clinical testing. Allele origin: germline. Affected: yes. Observed: 5 variant alleles.
Comment: HYDIN: BP4

NM_001270974.2(HYDIN):c.5807C>T (p.Ser1936Leu)

Gene: HYDIN (HYDIN axonemal central pair apparatus protein; minus strand). Cytogenetic location: 16q22.2.
Variant type: single nucleotide variant.
Coding change: c.5807C>T on transcript NM_001270974.2 (MANE Select); coding-DNA position 5807, C replaced by T.
Protein change: p.Ser1936Leu; replaces serine 1936 with leucine.
Molecular consequence: missense variant.
Genome position (GRCh38, 1-based): chr16:70,962,120, G>A on the plus strand (C>T on the coding strand, the complement: HYDIN is on the minus strand). VCF-style: chr16-70962120-G-A. GRCh37 (hg19) VCF-style: chr16-70996023-G-A.
Other names: short protein forms S1936L.
Identifiers: ClinVar variation 2578768 (VCV002578768.26), dbSNP rs200405304, ClinGen allele CA8150460.